The following is an entry in ClinVar:

NM_001382241.1(TNPO2):c.109C>A (p.Gln37Lys)

Gene: TNPO2 (transportin 2; minus strand). Cytogenetic location: 19p13.13.
Variant type: single nucleotide variant.
Coding change: c.109C>A on transcript NM_001382241.1 (MANE Select); coding-DNA position 109, C replaced by A.
Protein change: p.Gln37Lys; replaces glutamine 37 with lysine.
Molecular consequence: missense variant. On other transcripts: non-coding transcript variant (6).
Genome position (GRCh38, 1-based): chr19:12,719,327, G>T on the plus strand (C>A on the coding strand, the complement: TNPO2 is on the minus strand). VCF-style: chr19-12719327-G-T. GRCh37 (hg19) VCF-style: chr19-12830141-G-T.
Other names: c.109C>A, p.Gln37Lys (NM_001136195.2, NM_001136196.2, NM_001382236.1 and 7 more transcripts); short protein forms Q37K.
Identifiers: ClinVar variation 5008472 (VCV005008472.1).
Genomic context (GRCh38, chr19:12,719,327, plus strand): 5'-ACTTGAGTCTGGTCAGGACGAAAATCAGGTAGTTGTTGAAGTCAGGAAACTGATTGAGTT[G>T]TTTGAGTTTCTGCCAGGCTGTTAAGGGACTTGGAAGACAGAGGCCTTCCCCCAGCCAGGT-3'
Protein context (NP_001369170.1, residues 27-47): TQRIVQDKLK[Gln37Lys]LNQFPDFNNY

ClinVar aggregate classification (germline): Uncertain significance (1 of 4 stars; one submission).

Submission:

GeneDx
Classification: Uncertain significance. Last evaluated: 2026-03-04. Review status: criteria provided, single submitter. Criteria: GeneDx Variant Classification Process June 2021. Collection method: clinical testing. Allele origin: germline.
Comment: Not observed at significant frequency in large population cohorts (gnomAD); In silico analysis suggests that this missense variant does not alter protein structure/function; Has not been previously published as pathogenic or benign to our knowledge